The following is an entry in ClinVar:

ClinVar aggregate classification (germline): Benign/Likely benign. Review status: criteria provided, multiple submitters, no conflicts (2 of 4 stars). 6 submissions from 6 submitters: Benign (1); Likely benign (4). 1 of the submissions does not count toward it. Last evaluated 2026-01-21.

Conditions:
CTNNA1-related disorder. Also called: CTNNA1-related condition.
Hereditary diffuse gastric adenocarcinoma (HDGC). Also called: DIFFUSE GASTRIC AND LOBULAR BREAST CANCER SYNDROME. Identifiers: Orphanet 26106, MedGen C1708349, MONDO:0007648, OMIM 137215.
Hereditary nonpolyposis colon cancer (HNPCC). Also called: Hereditary Nonpolyposis Colorectal Cancer Syndrome; Hereditary nonpolyposis colorectal cancer; Familial nonpolyposis colon cancer. Identifiers: Orphanet 443909, MedGen C1333990, MONDO:0018630. Disease mechanism: loss of function.
Hereditary cancer-predisposing syndrome. Also called: Neoplastic Syndromes, Hereditary; Hereditary neoplastic syndrome; Hereditary Cancer Syndrome; Tumor predisposition. Identifiers: Orphanet 140162, MedGen C0027672, MeSH D009386, MONDO:0015356.

Allele frequency attached by ClinVar (database versions not stated): gnomAD 0.00001; ExAC 0.00002; gnomAD exomes 0.00002 and 0.00003; TOPMed 0.00002.
gnomAD v4.1: 46 of 1,612,302 alleles (0.0029%); highest among the groups gnomAD compares: Non-Finnish European, 0.0036%; no homozygotes.

Submissions (6):

Labcorp Genetics (formerly Invitae), Labcorp
Classification: Likely benign. Last evaluated: 2026-01-21. Review status: criteria provided, single submitter. Criteria: Invitae Variant Classification Sherloc (09022015). Collection method: clinical testing. Allele origin: germline.

Department of Pathology and Laboratory Medicine, Sinai Health System
Classification: Likely benign for hereditary nonpolyposis colon cancer. Last evaluated: 2025-01-09. Review status: criteria provided, single submitter. Criteria: ACMG Guidelines, 2015. Collection method: clinical testing. Allele origin: germline.

Blueprint Genetics
Classification: Likely benign. Last evaluated: 2024-10-30. Review status: criteria provided, single submitter. Criteria: ACMG Guidelines, 2015. Collection method: clinical testing. Allele origin: germline.

Myriad Genetics, Inc.
Classification: Benign for Hereditary diffuse gastric adenocarcinoma. Last evaluated: 2024-10-09. Review status: criteria provided, single submitter. Criteria: Myriad Autosomal Dominant, Autosomal Recessive and X-Linked Classification Criteria (2023). Collection method: clinical testing. Allele origin: unknown.
Comment: This variant is considered benign. This variant is a silent/synonymous amino acid change and it is not expected to impact splicing.

Ambry Genetics
Classification: Likely benign for Hereditary cancer-predisposing syndrome. Last evaluated: 2019-08-29. Review status: criteria provided, single submitter. Criteria: Ambry Variant Classification Scheme 2023. Collection method: clinical testing. Allele origin: germline.

PreventionGenetics, part of Exact Sciences
Classification: Likely benign for CTNNA1-related condition. Last evaluated: 2023-11-06. Review status: no assertion criteria provided. Collection method: clinical testing. Allele origin: germline. Not counted in ClinVar's aggregate classification.
Comment: This variant is classified as likely benign based on ACMG/AMP sequence variant interpretation guidelines (Richards et al. 2015 PMID: 25741868, with internal and published modifications).

NM_001903.5(CTNNA1):c.327A>G (p.Gly109=)

Gene: CTNNA1 (catenin alpha 1; plus strand). Cytogenetic location: 5q31.2.
Variant type: single nucleotide variant.
Coding change: c.327A>G on transcript NM_001903.5 (MANE Select); coding-DNA position 327, A replaced by G.
Protein change: p.Gly109=; no amino-acid change (glycine 109 retained).
Molecular consequence: synonymous variant. On other transcripts: intron variant (1).
Genome position (GRCh38, 1-based): chr5:138,810,063, A>G. VCF-style: chr5-138810063-A-G. GRCh37 (hg19) VCF-style: chr5-138145752-A-G.
Other names: c.327A>G, p.Gly109= (NM_001290307.3, NM_001323982.2, NM_001323983.1 and 3 more transcripts); c.18A>G, p.Gly6= (NM_001290309.3); c.-5-38A>G (NM_001290310.3); c.327A>G (NM_001903.4).
Identifiers: ClinVar variation 698326 (VCV000698326.20), dbSNP rs745606892, ClinGen allele CA3431421.
Genomic context (GRCh38, chr5:138,810,063, plus strand): 5'-TTCTTGCTGAGTTTGTTTTTCATTCTGTAAAACAGGTGATTTGATGAAGGCTGCTGCAGG[A>G]GAGTTCGCAGATGATCCCTGCTCTTCTGTGAAGCGAGGCAACATGGTTCGGGCAGCTCGA-3'
Protein context (NP_001894.2, residues 99-119): KQGDLMKAAA[Gly109=]EFADDPCSSV